The following is an entry in ClinVar:

ClinVar aggregate classification (germline): Likely pathogenic (1 of 4 stars; one submission).

Submission:

Labcorp Genetics (formerly Invitae), Labcorp
Classification: Likely pathogenic. Last evaluated: 2023-08-14. Review status: criteria provided, single submitter. Criteria: Invitae Variant Classification Sherloc (09022015). Collection method: clinical testing. Allele origin: germline.
Comment: This sequence change replaces methionine, which is neutral and non-polar, with arginine, which is basic and polar, at codon 1777 of the ABCA4 protein (p.Met1777Arg). This variant is not present in population databases (gnomAD no frequency). This missense change has been observed in individual(s) with Stargardt disease (Invitae). ClinVar contains an entry for this variant (Variation ID: 1511504). Advanced modeling of protein sequence and biophysical properties (such as structural, functional, and spatial information, amino acid conservation, physicochemical variation, residue mobility, and thermodynamic stability) performed at Invitae indicates that this missense variant is expected to disrupt ABCA4 protein function. In summary, the currently available evidence indicates that the variant is pathogenic, but additional data are needed to prove that conclusively. Therefore, this variant has been classified as Likely Pathogenic.

NM_000350.3(ABCA4):c.5330T>G (p.Met1777Arg)

Gene: ABCA4 (ATP binding cassette subfamily A member 4; minus strand). Cytogenetic location: 1p22.1.
Variant type: single nucleotide variant.
Coding change: c.5330T>G on transcript NM_000350.3 (MANE Select); coding-DNA position 5330, T replaced by G.
Protein change: p.Met1777Arg; replaces methionine 1777 with arginine.
Molecular consequence: missense variant.
Genome position (GRCh38, 1-based): chr1:94,014,673, A>C on the plus strand (T>G on the coding strand, the complement: ABCA4 is on the minus strand). VCF-style: chr1-94014673-A-C. GRCh37 (hg19) VCF-style: chr1-94480229-A-C.
Other names: c.5108T>G, p.Met1703Arg (NM_001425324.1); short protein forms M1777R, M1703R.
Identifiers: ClinVar variation 1511504 (VCV001511504.8), dbSNP rs2101013876, ClinGen allele CA341281503.